The following is an entry in ClinVar:

ClinVar aggregate classification (germline): Uncertain significance (1 of 4 stars; one submission).

gnomAD v4.1: 2 of 1,613,440 alleles (0.00012%); highest among the groups gnomAD compares: Non-Finnish European, 0.00017%; no homozygotes.

Submission:

Labcorp Genetics (formerly Invitae), Labcorp
Classification: Uncertain significance. Last evaluated: 2022-05-09. Review status: criteria provided, single submitter. Criteria: Invitae Variant Classification Sherloc (09022015). Collection method: clinical testing. Allele origin: germline.
Comment: In summary, the available evidence is currently insufficient to determine the role of this variant in disease. Therefore, it has been classified as a Variant of Uncertain Significance. Algorithms developed to predict the effect of missense changes on protein structure and function are either unavailable or do not agree on the potential impact of this missense change (SIFT: "Deleterious"; PolyPhen-2: "Probably Damaging"; Align-GVGD: "Class C0"). This variant has not been reported in the literature in individuals affected with ERCC3-related conditions. This variant is not present in population databases (gnomAD no frequency). This sequence change replaces threonine, which is neutral and polar, with alanine, which is neutral and non-polar, at codon 160 of the ERCC3 protein (p.Thr160Ala).

NM_000122.2(ERCC3):c.478A>G (p.Thr160Ala)

Gene: ERCC3 (ERCC excision repair 3, TFIIH core complex helicase subunit; minus strand). Cytogenetic location: 2q14.3.
Variant type: single nucleotide variant.
Coding change: c.478A>G on transcript NM_000122.2 (MANE Select); coding-DNA position 478, A replaced by G.
Protein change: p.Thr160Ala; replaces threonine 160 with alanine.
Molecular consequence: missense variant.
Genome position (GRCh38, 1-based): chr2:127,290,267, T>C on the plus strand (A>G on the coding strand, the complement: ERCC3 is on the minus strand). VCF-style: chr2-127290267-T-C. GRCh37 (hg19) VCF-style: chr2-128047843-T-C.
Other names: c.286A>G, p.Thr96Ala (NM_001303416.2, NM_001303418.2); short protein forms T96A, T160A.
Identifiers: ClinVar variation 1992461 (VCV001992461.4), dbSNP rs2468061093, ClinGen allele CA348391417.